The following is an entry in ClinVar:

ClinVar aggregate classification (germline): Pathogenic/Likely pathogenic. Review status: criteria provided, multiple submitters, no conflicts (2 of 4 stars). 3 submissions from 3 submitters: Pathogenic (1); Likely pathogenic (1). 1 of the submissions does not count toward it. Last evaluated 2026-07-21.

Conditions:
3-Oxo-5 alpha-steroid delta 4-dehydrogenase deficiency (PPSH). Also called: FAMILIAL INCOMPLETE MALE PSEUDOHERMAPHRODITISM, TYPE 2; MALE PSEUDOHERMAPHRODITISM DUE TO 5-ALPHA-REDUCTASE DEFICIENCY; PSEUDOVAGINAL PERINEOSCROTAL HYPOSPADIAS; 46,XY disorder of sex development due to 5-alpha-reductase 2 deficiency. Identifiers: Orphanet 753, MedGen C0268297, MONDO:0009923, OMIM 264600. Disease mechanism: loss of function.

Allele frequency attached by ClinVar (database versions not stated): TOPMed 0.00002; gnomAD 0.00002.
gnomAD v4.1: 49 of 1,613,658 alleles (0.003%); highest among the groups gnomAD compares: Non-Finnish European, 0.0037%; no homozygotes.

Submissions (3):

Victorian Clinical Genetics Services, Murdoch Childrens Research Institute
Classification: Likely pathogenic for 3-Oxo-5 alpha-steroid delta 4-dehydrogenase deficiency. Last evaluated: 2026-07-21. Review status: criteria provided, single submitter. Criteria: ACMG Guidelines, 2015. Collection method: clinical testing. Allele origin: germline. Affected: yes.
Comment: This variant is classified as Likely pathogenic. Evidence in support of pathogenic classification: This variant is present in gnomAD <0.01 for a recessive condition (v4: 49 heterozygote(s), 0 homozygote(s)); This variant has moderate previous evidence of pathogenicity in unrelated individuals. It has been classified as likely pathogenic and pathogenic by clinical laboratories in ClinVar. In addition, it has been reported in the literature in compound heterozygous individuals with differences of sex development (PMIDs: 29798939, 35331321, 35700942); This variant has moderate functional evidence supporting abnormal protein function. HEK293 cells transfected with this variant showed decreased dihydrotestosterone (DHT) production, indicating reduced catalytic efficiency (PMID: 35331321); Another variant comparable to the one identified in this case has limited previous evidence for pathogenicity. p.(His232Asp) has been reported in the literature in a compound heterozygous individual with disorder of sex development; details of the second variant were not provided (PMID: 31186340). Additional information: This variant is predicted to result in a missense amino acid change from His to Arg; This variant is heterozygous; This gene is associated with autosomal recessive disease; Alternative amino acid change(s) at the same position are present in gnomAD (highest allele count: v4: 8 heterozygote(s), 0 homozygote(s)); No published evidence of segregation with disease has been identified for this variant; Variant is located in the annotated steroid dehydrogenase domain (DECIPHER); Missense variant with inconclusive in silico prediction(s) and/or uninformative conservation; Loss of function is a known mechanism of disease in this gene and is associated with 46,XY disorder of sex development due to 5-alpha-reductase 2 deficiency (MONDO:0009923); Inheritance information for this variant is not currently available in this individual.

Labcorp Genetics (formerly Invitae), Labcorp
Classification: Pathogenic for 3-Oxo-5 alpha-steroid delta 4-dehydrogenase deficiency. Last evaluated: 2023-10-05. Review status: criteria provided, single submitter. Criteria: Invitae Variant Classification Sherloc (09022015). Collection method: clinical testing. Allele origin: germline.
Comment: This sequence change replaces histidine, which is basic and polar, with arginine, which is basic and polar, at codon 232 of the SRD5A2 protein (p.His232Arg). This variant is present in population databases (no rsID available, gnomAD 0.01%). This missense change has been observed in individual(s) with clinical features of disorder of sex development (PMID: 29798939, 35331321; Invitae). In at least one individual the data is consistent with being in trans (on the opposite chromosome) from a pathogenic variant. It has also been observed to segregate with disease in related individuals. ClinVar contains an entry for this variant (Variation ID: 459643). Advanced modeling of protein sequence and biophysical properties (such as structural, functional, and spatial information, amino acid conservation, physicochemical variation, residue mobility, and thermodynamic stability) performed at Invitae indicates that this missense variant is not expected to disrupt SRD5A2 protein function. Experimental studies have shown that this missense change affects SRD5A2 function (PMID: 35331321). Algorithms developed to predict the effect of sequence changes on RNA splicing suggest that this variant may create or strengthen a splice site. For these reasons, this variant has been classified as Pathogenic.

Genomics England Pilot Project, Genomics England
Classification: Likely pathogenic for 3-Oxo-5 alpha-steroid delta 4-dehydrogenase deficiency. Review status: no assertion criteria provided. Criteria: ACGS Guidelines, 2016. Collection method: clinical testing. Allele origin: germline. Affected: yes. Not counted in ClinVar's aggregate classification.

Literature cited by the submitters: PubMed 35331321 (cited by Victorian Clinical Genetics Services, Murdoch Childrens Research Institute and Labcorp Genetics (formerly Invitae), Labcorp); PubMed 31186340 (cited by Victorian Clinical Genetics Services, Murdoch Childrens Research Institute); PubMed 35700942 (cited by Victorian Clinical Genetics Services, Murdoch Childrens Research Institute); PubMed 29798939 (cited by Victorian Clinical Genetics Services, Murdoch Childrens Research Institute and Labcorp Genetics (formerly Invitae), Labcorp).

NM_000348.4(SRD5A2):c.695A>G (p.His232Arg)

Gene: SRD5A2 (steroid 5 alpha-reductase 2; minus strand). Cytogenetic location: 2p23.1.
Variant type: single nucleotide variant.
Coding change: c.695A>G on transcript NM_000348.4 (MANE Select); coding-DNA position 695, A replaced by G.
Protein change: p.His232Arg; replaces histidine 232 with arginine.
Molecular consequence: missense variant.
Genome position (GRCh38, 1-based): chr2:31,529,310, T>C on the plus strand (A>G on the coding strand, the complement: SRD5A2 is on the minus strand). VCF-style: chr2-31529310-T-C. GRCh37 (hg19) VCF-style: chr2-31754380-T-C.
Other names: short protein forms H232R.
Identifiers: ClinVar variation 459643 (VCV000459643.10), dbSNP rs748899308, ClinGen allele CA346597847.